The following is an entry in ClinVar:

ClinVar aggregate classification (germline): Uncertain significance. Review status: criteria provided, multiple submitters, no conflicts (2 of 4 stars). 4 submissions from 4 submitters: Uncertain significance (4). Last evaluated 2026-10-13.

Conditions:
Cardiomyopathy (CMYO). Also called: Cardiomyopathies. Identifiers: Orphanet 167848, MedGen C0878544, MONDO:0004994, HP:0001638. Inheritance: Various modes of inheritance.
Hypertrophic cardiomyopathy. Also called: HYPERTROPHIC MYOCARDIOPATHY. Identifiers: Orphanet 217569, MedGen C0007194, MeSH D002312, MONDO:0005045, HP:0001639.
Cardiovascular phenotype. Identifiers: MedGen CN230736.

gnomAD v4.1: 18 of 1,614,256 alleles (0.0011%); highest among the groups gnomAD compares: Non-Finnish European, 0.0015%; no homozygotes.

Submissions (4):

GeneDx
Classification: Uncertain significance. Last evaluated: 2026-10-13. Review status: criteria provided, single submitter. Criteria: GeneDx Variant Classification Process June 2021. Collection method: clinical testing. Allele origin: germline.
Comment: Not observed at significant frequency in large population cohorts (gnomAD); In silico analysis supports that this missense variant has a deleterious effect on protein structure/function; Has not been previously published as pathogenic or benign to our knowledge

All of Us Research Program, National Institutes of Health
Classification: Uncertain significance for Cardiomyopathy. Last evaluated: 2023-11-30. Review status: criteria provided, single submitter. Criteria: ACMG Guidelines, 2015. Collection method: clinical testing. Allele origin: germline. Inheritance: Autosomal dominant inheritance. Observed: 1 variant allele, 1 heterozygote.
Comment: This study involves interpretation of variants in research participants for the purpose of population health screening. Participant phenotype was not available at the time of variant classification. Additional details can be found in publication PMID: 35346344, PMCID: PMC8962531

Labcorp Genetics (formerly Invitae), Labcorp
Classification: Uncertain significance for Hypertrophic cardiomyopathy. Last evaluated: 2022-12-11. Review status: criteria provided, single submitter. Criteria: Invitae Variant Classification Sherloc (09022015). Collection method: clinical testing. Allele origin: germline.
Comment: ClinVar contains an entry for this variant (Variation ID: 1796401). This variant has not been reported in the literature in individuals affected with MYH7-related conditions. This variant is not present in population databases (gnomAD no frequency). This sequence change replaces lysine, which is basic and polar, with threonine, which is neutral and polar, at codon 940 of the MYH7 protein (p.Lys940Thr). Advanced modeling of protein sequence and biophysical properties (such as structural, functional, and spatial information, amino acid conservation, physicochemical variation, residue mobility, and thermodynamic stability) performed at Invitae indicates that this missense variant is expected to disrupt MYH7 protein function. In summary, the available evidence is currently insufficient to determine the role of this variant in disease. Therefore, it has been classified as a Variant of Uncertain Significance.

Ambry Genetics
Classification: Uncertain significance for Cardiovascular phenotype. Last evaluated: 2020-01-03. Review status: criteria provided, single submitter. Criteria: Ambry Variant Classification Scheme 2023. Collection method: clinical testing. Allele origin: germline.
Comment: The p.K940T variant (also known as c.2819A>C), located in coding exon 21 of the MYH7 gene, results from an A to C substitution at nucleotide position 2819. The lysine at codon 940 is replaced by threonine, an amino acid with similar properties. This amino acid position is highly conserved in available vertebrate species. In addition, this alteration is predicted to be deleterious by in silico analysis. Since supporting evidence is limited at this time, the clinical significance of this alteration remains unclear.

NM_000257.4(MYH7):c.2819A>C (p.Lys940Thr)

Gene: MYH7 (myosin heavy chain 7; minus strand). Cytogenetic location: 14q11.2.
Variant type: single nucleotide variant.
Coding change: c.2819A>C on transcript NM_000257.4 (MANE Select); coding-DNA position 2819, A replaced by C.
Protein change: p.Lys940Thr; replaces lysine 940 with threonine.
Molecular consequence: missense variant.
Genome position (GRCh38, 1-based): chr14:23,424,010, T>G on the plus strand (A>C on the coding strand, the complement: MYH7 is on the minus strand). VCF-style: chr14-23424010-T-G. GRCh37 (hg19) VCF-style: chr14-23893219-T-G.
Other names: c.2819A>C, p.Lys940Thr (NM_001407004.1); short protein forms K940T.
Identifiers: ClinVar variation 1796401 (VCV001796401.7), dbSNP rs1892589863, ClinGen allele CA389046943.